The following is an entry in ClinVar:

NM_080680.3(COL11A2):c.3239C>T (p.Ala1080Val)

Gene: COL11A2 (collagen type XI alpha 2 chain; minus strand). Cytogenetic location: 6p21.32.
Variant type: single nucleotide variant.
Coding change: c.3239C>T on transcript NM_080680.3 (MANE Select); coding-DNA position 3239, C replaced by T.
Protein change: p.Ala1080Val; replaces alanine 1080 with valine.
Molecular consequence: missense variant.
Genome position (GRCh38, 1-based): chr6:33,171,486, G>A on the plus strand (C>T on the coding strand, the complement: COL11A2 is on the minus strand). VCF-style: chr6-33171486-G-A. GRCh37 (hg19) VCF-style: chr6-33139263-G-A.
Other names: c.3059C>T, p.Ala1020Val (NM_001424108.1); c.2393C>T, p.Ala798Val (NM_001424109.1); c.2213C>T, p.Ala738Val (NM_001424110.1, NM_001424111.1); c.1193C>T, p.Ala398Val (NM_001424112.1); c.2918C>T, p.Ala973Val (NM_080679.3); c.2981C>T, p.Ala994Val (NM_080681.3); short protein forms A1080V, A398V, A973V, A738V, A994V, A1020V, A798V.
Identifiers: ClinVar variation 5000325 (VCV005000325.1).
Genomic context (GRCh38, chr6:33,171,486, plus strand): 5'-TCTGGAAAGAAGATTGGTCGGGGTCTGTGGGGTCCCCTCACCTTGTCTCCATCCTCTCCA[G>A]CCACACCTGGAGGCCCAGCAGGACCAGGAAGCCCCACAGGACCCTGCACTCCATCTCGGC-3'
Protein context (NP_542411.2, residues 1070-1090): LPGPAGPPGV[Ala1080Val]GEDGDKGEVG

ClinVar aggregate classification (germline): Uncertain significance (1 of 4 stars; one submission).

Conditions:
COL11A2-related disorder. Also called: COL11A2-related condition; COL11A2-related disorders.

Submission:

PreventionGenetics, part of Exact Sciences
Classification: Uncertain significance for COL11A2-related condition. Last evaluated: 2025-08-09. Review status: criteria provided, single submitter. Criteria: ACMG Guidelines, 2015. Collection method: clinical testing. Allele origin: germline.
Comment: The COL11A2 c.3239C>T variant is predicted to result in the amino acid substitution p.Ala1080Val. To our knowledge, this variant has not been reported in the literature or in a large population database (gnomAD), indicating this variant is rare. At this time, the clinical significance of this variant is uncertain due to the absence of conclusive functional and genetic evidence.